The following is an entry in ClinVar:

ClinVar aggregate classification (germline): Benign/Likely benign. Review status: criteria provided, multiple submitters, no conflicts (2 of 4 stars). 6 submissions from 6 submitters: Benign (2); Likely benign (3). 1 of the submissions does not count toward it. Last evaluated 2025-12-03.

Conditions:
SNAP29-related disorder. Also called: SNAP29-related condition.
CEDNIK syndrome. Also called: CEREBRAL DYSGENESIS, NEUROPATHY, ICHTHYOSIS, AND PALMOPLANTAR KERATODERMA SYNDROME; Cerebral dysgenesis, neuropathy, ichthyosis, and palmoplantar keratoderma. Identifiers: Orphanet 66631, MedGen C1836033, MONDO:0012290, OMIM 609528.

Allele frequency attached by ClinVar (database versions not stated): ESP Exome Variant Server 0.00008; gnomAD exomes 0.00020 and 0.00111; gnomAD 0.00044 and 0.00053; TOPMed 0.00065; ExAC 0.00105; 1000 Genomes Project 30x 0.00156; 1000 Genomes Project 0.00200.
gnomAD v4.1: 419 of 1,614,142 alleles (0.026%); highest among the groups gnomAD compares: East Asian, 0.74%; 2 homozygotes.

Submissions (6):

Labcorp Genetics (formerly Invitae), Labcorp
Classification: Benign. Last evaluated: 2025-12-03. Review status: criteria provided, single submitter. Criteria: Invitae Variant Classification Sherloc (09022015). Collection method: clinical testing. Allele origin: germline.

Mayo Clinic Laboratories, Mayo Clinic
Classification: Likely benign. Last evaluated: 2025-02-05. Review status: criteria provided, single submitter. Criteria: ACMG Guidelines, 2015. Collection method: clinical testing. Allele origin: germline. Observed: 1 variant allele.
Comment: BS1, BP4

Fulgent Genetics
Classification: Likely benign for CEDNIK syndrome. Last evaluated: 2022-01-11. Review status: criteria provided, single submitter. Criteria: ACMG Guidelines, 2015. Collection method: clinical testing. Allele origin: unknown.

Illumina Laboratory Services, Illumina
Classification: Benign for CEDNIK syndrome. Last evaluated: 2017-04-27. Review status: criteria provided, single submitter. Criteria: ICSL Variant Classification Criteria 13 December 2019. Collection method: clinical testing. Allele origin: germline.
Comment: This variant was observed as part of a predisposition screen in an ostensibly healthy population. A literature search was performed for the gene, cDNA change, and amino acid change (where applicable). Publications were found based on this search. The evidence from the literature, in combination with allele frequency data from public databases where available, was sufficient to rule this variant out of causing disease. Therefore, this variant is classified as benign.

Center for Pediatric Genomic Medicine, Children's Mercy Hospital and Clinics
Classification: Likely benign. Last evaluated: 2015-10-30. Review status: criteria provided, single submitter. Criteria: ACMG Guidelines, 2015. Collection method: clinical testing. Allele origin: germline.
ClinVar note: Converted during submission from Likely Benign to Likely benign.

PreventionGenetics, part of Exact Sciences
Classification: Benign for SNAP29-related condition. Last evaluated: 2019-09-13. Review status: no assertion criteria provided. Collection method: clinical testing. Allele origin: germline. Not counted in ClinVar's aggregate classification.
Comment: This variant is classified as benign based on ACMG/AMP sequence variant interpretation guidelines (Richards et al. 2015 PMID: 25741868, with internal and published modifications).

Literature cited by the submitters: PubMed 23231787 (cited by Mayo Clinic Laboratories, Mayo Clinic and Illumina Laboratory Services, Illumina); PubMed 19350501 (cited by Illumina Laboratory Services, Illumina).

NM_004782.4(SNAP29):c.265G>A (p.Glu89Lys)

Gene: SNAP29 (synaptosome associated protein 29; plus strand). Cytogenetic location: 22q11.21.
Variant type: single nucleotide variant.
Coding change: c.265G>A on transcript NM_004782.4 (MANE Select); coding-DNA position 265, G replaced by A.
Protein change: p.Glu89Lys; replaces glutamic acid 89 with lysine.
Molecular consequence: missense variant.
Genome position (GRCh38, 1-based): chr22:20,870,364, G>A. VCF-style: chr22-20870364-G-A. GRCh37 (hg19) VCF-style: chr22-21224652-G-A.
Other names: p.Glu89Lys; short protein forms E89K.
Identifiers: ClinVar variation 235384 (VCV000235384.19), dbSNP rs151146863, ClinGen allele CA10117093.